The following is an entry in ClinVar:

ClinVar aggregate classification (germline): Uncertain significance. Review status: criteria provided, multiple submitters, no conflicts (2 of 4 stars). 3 submissions from 3 submitters: Uncertain significance (2). 1 of the submissions does not count toward it. Last evaluated 2024-05-21.

Conditions:
Neuronal ceroid lipofuscinosis. Also called: Neuronal Ceroid Lipofuscinoses. Identifiers: Orphanet 216, Orphanet 79263, MedGen C0027877, MONDO:0016295. Disease mechanism: loss of function.
Neuronal ceroid lipofuscinosis 8 (CLN8). Also called: CLN8-Related Neuronal Ceroid-Lipofuscinosis. Identifiers: Orphanet 168491, Orphanet 228354, Orphanet 79264, MedGen C1838570, MONDO:0010830, OMIM 600143.

Allele frequency attached by ClinVar (database versions not stated): TOPMed 0.00005.
gnomAD v4.1: 17 of 1,613,804 alleles (0.0011%); highest among the groups gnomAD compares: African/African-American, 0.008%; no homozygotes.

Submissions (3):

Women's Health and Genetics/Laboratory Corporation of America, LabCorp
Classification: Uncertain significance. Last evaluated: 2024-05-21. Review status: criteria provided, single submitter. Criteria: LabCorp Variant Classification Summary - May 2015. Collection method: clinical testing. Allele origin: germline.

Labcorp Genetics (formerly Invitae), Labcorp
Classification: Uncertain significance for Neuronal ceroid lipofuscinosis. Last evaluated: 2022-08-06. Review status: criteria provided, single submitter. Criteria: Invitae Variant Classification Sherloc (09022015). Collection method: clinical testing. Allele origin: germline.
Comment: This sequence change replaces arginine, which is basic and polar, with cysteine, which is neutral and slightly polar, at codon 24 of the CLN8 protein (p.Arg24Cys). The frequency data for this variant in the population databases is considered unreliable, as metrics indicate poor data quality at this position in the gnomAD database. This variant has not been reported in the literature in individuals affected with CLN8-related conditions. ClinVar contains an entry for this variant (Variation ID: 663610). Advanced modeling of protein sequence and biophysical properties (such as structural, functional, and spatial information, amino acid conservation, physicochemical variation, residue mobility, and thermodynamic stability) performed at Invitae indicates that this missense variant is not expected to disrupt CLN8 protein function. This variant disrupts the p.Arg24 amino acid residue in CLN8. Other variant(s) that disrupt this residue have been determined to be pathogenic (PMID: 10508524, 15160397, 16828266). This suggests that this residue is clinically significant, and that variants that disrupt this residue are likely to be disease-causing. In summary, the available evidence is currently insufficient to determine the role of this variant in disease. Therefore, it has been classified as a Variant of Uncertain Significance.

Natera, Inc.
Classification: Uncertain significance for Neuronal ceroid lipofuscinosis 8. Last evaluated: 2021-09-17. Review status: no assertion criteria provided. Collection method: clinical testing. Allele origin: germline. Not counted in ClinVar's aggregate classification.

Literature cited by the submitters: PubMed 10508524 (cited by Labcorp Genetics (formerly Invitae), Labcorp); PubMed 15160397 (cited by Labcorp Genetics (formerly Invitae), Labcorp); PubMed 16828266 (cited by Labcorp Genetics (formerly Invitae), Labcorp).

NM_018941.4(CLN8):c.70C>T (p.Arg24Cys)

Gene: CLN8 (CLN8 transmembrane ER and ERGIC protein; plus strand). Cytogenetic location: 8p23.3.
Variant type: single nucleotide variant.
Coding change: c.70C>T on transcript NM_018941.4 (MANE Select); coding-DNA position 70, C replaced by T.
Protein change: p.Arg24Cys; replaces arginine 24 with cysteine.
Molecular consequence: missense variant.
Genome position (GRCh38, 1-based): chr8:1,771,124, C>T. VCF-style: chr8-1771124-C-T. GRCh37 (hg19) VCF-style: chr8-1719290-C-T.
Other names: short protein forms R24C.
Identifiers: ClinVar variation 663610 (VCV000663610.6), dbSNP rs104894064, ClinGen allele CA4599187.